The following is an entry in ClinVar:

NM_001482.3(GATM):c.245G>A (p.Arg82Lys)

Gene: GATM (glycine amidinotransferase; minus strand). Cytogenetic location: 15q21.1.
Variant type: single nucleotide variant.
Coding change: c.245G>A on transcript NM_001482.3 (MANE Select); coding-DNA position 245, G replaced by A.
Protein change: p.Arg82Lys; replaces arginine 82 with lysine.
Molecular consequence: missense variant. On other transcripts: 5 prime UTR variant (1).
Genome position (GRCh38, 1-based): chr15:45,376,644, C>T on the plus strand (G>A on the coding strand, the complement: GATM is on the minus strand). VCF-style: chr15-45376644-C-T. GRCh37 (hg19) VCF-style: chr15-45668842-C-T.
Other names: c.-143G>A (NM_001321015.2); short protein forms R82K.
Identifiers: ClinVar variation 663209 (VCV000663209.8), dbSNP rs1595485790, ClinGen allele CA392265052.

ClinVar aggregate classification (germline): Uncertain significance (1 of 4 stars; one submission).

Conditions:
Arginine:glycine amidinotransferase deficiency (CCDS3). Also called: L-Arginine:Glycine Amidinotransferase Deficiency; L-Arginine:Glycine Amidinotransferase (AGAT) Deficiency; AGAT deficiency; Creatine deficiency syndrome due to AGAT deficiency; GATM deficiency; Cerebral creatine deficiency syndrome 3. Identifiers: Orphanet 35704, MedGen C2675179, MONDO:0012996, OMIM 612718.

Submission:

Labcorp Genetics (formerly Invitae), Labcorp
Classification: Uncertain significance for Arginine:glycine amidinotransferase deficiency. Last evaluated: 2022-11-26. Review status: criteria provided, single submitter. Criteria: Invitae Variant Classification Sherloc (09022015). Collection method: clinical testing. Allele origin: germline.
Comment: This sequence change replaces arginine, which is basic and polar, with lysine, which is basic and polar, at codon 82 of the GATM protein (p.Arg82Lys). This variant is not present in population databases (gnomAD no frequency). This variant has not been reported in the literature in individuals affected with GATM-related conditions. ClinVar contains an entry for this variant (Variation ID: 663209). Advanced modeling of protein sequence and biophysical properties (such as structural, functional, and spatial information, amino acid conservation, physicochemical variation, residue mobility, and thermodynamic stability) performed at Invitae indicates that this missense variant is not expected to disrupt GATM protein function. In summary, the available evidence is currently insufficient to determine the role of this variant in disease. Therefore, it has been classified as a Variant of Uncertain Significance.